The following is an entry in ClinVar:

ClinVar aggregate classification (germline): Pathogenic. Review status: criteria provided, multiple submitters, no conflicts (2 of 4 stars). 6 submissions from 6 submitters: Pathogenic (6). Last evaluated 2025-11-18.

Conditions:
Osteogenesis imperfecta type 6. Also called: Osteogenesis imperfecta, type VI. Identifiers: Orphanet 666, MedGen C3279564, MONDO:0013515, OMIM 613982.
SERPINF1-related disorder. Also called: SERPINF1-related condition.
Osteogenesis imperfecta (OI). Identifiers: Orphanet 666, MedGen C0029434, MeSH D010013, MONDO:0019019.

Submissions (6):

GeneDx
Classification: Pathogenic. Last evaluated: 2025-11-18. Review status: criteria provided, single submitter. Criteria: GeneDx Variant Classification Process June 2021. Collection method: clinical testing. Allele origin: germline. Affected: yes.
Comment: Published functional studies demonstrate a damaging effect with reduction of protein expression and excretion (PMID: 25868797); In-frame duplication of 3 amino acids in a non-repeat region; This variant is associated with the following publications: (PMID: 27796462, 28689307, 40282376, 22528245, 25127091, 27509835, 28725987, 25086671, 25868797, 28116328, 34426522, 34627339, 37425194, 37270749, 38926541)

Labcorp Genetics (formerly Invitae), Labcorp
Classification: Pathogenic. Last evaluated: 2024-12-23. Review status: criteria provided, single submitter. Criteria: Invitae Variant Classification Sherloc (09022015). Collection method: clinical testing. Allele origin: germline.
Comment: This variant, c.271_279dup, results in the insertion of 3 amino acid(s) of the SERPINF1 protein (p.Ala91_Ser93dup), but otherwise preserves the integrity of the reading frame. This variant is present in population databases (rs758551389, gnomAD 0.009%). This variant has been observed in individual(s) with osteogenesis imperfecta (PMID: 22528245, 28116328). In at least one individual the data is consistent with being in trans (on the opposite chromosome) from a pathogenic variant. Algorithms developed to predict the effect of variants on gene product structure and function are not available or were not evaluated for this variant. Experimental studies have shown that this variant affects SERPINF1 function (PMID: 25868797). For these reasons, this variant has been classified as Pathogenic.

Dubai Health Genomic Medicine Center, Dubai Health
Classification: Pathogenic for Osteogenesis imperfecta. Last evaluated: 2024-10-04. Review status: criteria provided, single submitter. Criteria: ACMG Guidelines, 2015. Collection method: research. Allele origin: germline. Affected: yes.
Comment: PS3,PM3(strong),PM2,PP1,PM4

Blueprint Genetics
Classification: Pathogenic for SERPINF1-related disorders. Last evaluated: 2024-06-05. Review status: criteria provided, single submitter. Criteria: ACMG Guidelines, 2015. Collection method: clinical testing. Allele origin: germline. Affected: yes. Observed: 5 variant alleles.

Women's Health and Genetics/Laboratory Corporation of America, LabCorp
Classification: Pathogenic for Osteogenesis imperfecta. Last evaluated: 2022-10-13. Review status: criteria provided, single submitter. Criteria: LabCorp Variant Classification Summary - May 2015. Collection method: clinical testing. Allele origin: germline.
Comment: Variant summary: SERPINF1 c.271_279dupGCCCTCTCG (p.Ala91_Ser93dup) results in an in-frame duplication that is predicted to duplicate three amino acids into the encoded protein. The variant allele was found at a frequency of 5.6e-05 in 251326 control chromosomes. This frequency is not significantly higher than estimated for a pathogenic variant in SERPINF1 causing Osteogenesis Imperfecta (5.6e-05 vs 0.0011), allowing no conclusion about variant significance. c.271_279dupGCCCTCTCG has been reported in the literature as a biallelic homozygous or compound heterozygous genotype in multiple individuals affected with Osteogenesis Imperfecta (example, Tucker_2012, Rauch_2014, Al-Jallad_2015, Caparros-Martin_2016, Li_2020). These data indicate that the variant is very likely to be associated with disease. At least one publication reports experimental evidence evaluating an impact on protein function (Al-Jallad_2015). The most pronounced variant effect results in intracellular degradation, not transported along the secretory pathway resulting in decreased collagen type I deposition and mineralization, as well as approximately 4% of normal pigment-epithelium derived factor (PEDF) secretion in fibroblast cultures from a homozygous individual. Two clinical diagnostic laboratories have submitted clinical-significance assessments for this variant to ClinVar after 2014 without evidence for independent evaluation. All laboratories classified the variant as pathogenic. Based on the evidence outlined above, the variant was classified as pathogenic.

Clinical Biomedical Laboratory, Shriners Hospital For Children - Canada
Classification: Pathogenic for Osteogenesis imperfecta type 6. Review status: criteria provided, single submitter. Criteria: ACMG Guidelines, 2015. Collection method: clinical testing. Allele origin: germline. Affected: yes.
Comment: This variant is an in-frame duplication that is expected to add three amino acids to PEDF, the protein encoded by SERPINF1. This variant is not reported in ClinVar, and is absent from gnomAD v2.1.1, indicating it is rare. this variant has been published in the literature (PMID: 25868797, 22669302). Published functional studies demonstrate a damaging effect with reduction of protein expression (PMID: 25868797) We have observed this variant in more than five unrelated families with osteogeneisis imperfecta type VI in the Shriners Hospital for Children Canada variant database. Based on the ACMG variant interpretation guidelines, the available evidence supports classification of this variant as pathogenic.

Literature cited by the submitters: PubMed 22528245 (cited by Labcorp Genetics (formerly Invitae), Labcorp and Women's Health and Genetics/Laboratory Corporation of America, LabCorp); PubMed 28116328 (cited by Labcorp Genetics (formerly Invitae), Labcorp and Women's Health and Genetics/Laboratory Corporation of America, LabCorp); PubMed 25868797 (cited by Labcorp Genetics (formerly Invitae), Labcorp and Women's Health and Genetics/Laboratory Corporation of America, LabCorp); PubMed 33093841 (cited by Women's Health and Genetics/Laboratory Corporation of America, LabCorp); PubMed 25086671 (cited by Women's Health and Genetics/Laboratory Corporation of America, LabCorp).

NM_002615.7(SERPINF1):c.262GCCCTCTCG[3] (p.88ALS[3])

Genes: SERPINF1 (serpin family F member 1; plus strand), LOC130059892 (ATAC-STARR-seq lymphoblastoid active region 11457; plus strand). Cytogenetic location: 17p13.3.
Variant type: Microsatellite.
Coding change: c.262GCCCTCTCG[3] on transcript NM_002615.7 (MANE Select); three copies in a row of the 9-base unit GCCCTCTCG starting at c.262; the reference has two copies in a row; one copy, 9 bases duplicated; also written c.271_279dup.
Protein change: p.88ALS[3].
Molecular consequence: inframe insertion. On other transcripts: 5 prime UTR variant (1).
Genome position (GRCh38, 1-based): chr17:1,770,038-1,770,046, GCCCTCTCG duplicated; duplicating any 9 consecutive bases within chr17:1,770,027-1,770,046 gives the same sequence; the position shown is the placement nearest the transcript's 3' end. VCF-style (leftmost placement, unchanged base first): chr17-1770026-A-ACGGCCCTCT. GRCh37 (hg19) VCF-style: chr17-1673320-A-ACGGCCCTCT.
Other names: c.271_279dup (NM_002615.7); c.262GCCCTCTCG[3], p.88ALS[3] (NM_001329903.2); c.-300GCCCTCTCG[3] (NM_001329904.2); c.271_279dupGCCCTCTCG (NM_002615.5, NM_002615.6).
Identifiers: ClinVar variation 1224470 (VCV001224470.15), dbSNP rs758551389, ClinGen allele CA8274585.